The following is an entry in ClinVar:

ClinVar aggregate classification (germline): Conflicting classifications of pathogenicity. Review status: criteria provided, conflicting classifications (1 of 4 stars). 9 submissions from 9 submitters: Uncertain significance (8); Likely benign (1). Last evaluated 2026-01-26.

Conditions:
Cardiomyopathy, familial hypertrophic 27. Identifiers: MedGen C4748014, MONDO:0054838, OMIM 618052.
Cardiovascular phenotype. Identifiers: MedGen CN230736.
ALPK3-related disorder. Also called: ALPK3-related condition.

Allele frequency attached by ClinVar (database versions not stated): TOPMed 0.00016; gnomAD exomes 0.00021; 1000 Genomes Project 30x 0.00031; ExAC 0.00031; 1000 Genomes Project 0.00040; ESP Exome Variant Server 0.00008; gnomAD 0.00014 and 0.00015.
gnomAD v4.1: 400 of 1,614,054 alleles (0.025%); highest among the groups gnomAD compares: Middle Eastern, 0.2%; no homozygotes.

Submissions (9):

Women's Health and Genetics/Laboratory Corporation of America, LabCorp
Classification: Uncertain significance. Last evaluated: 2026-01-26. Review status: criteria provided, single submitter. Criteria: LabCorp Variant Classification Summary - May 2015. Collection method: clinical testing. Allele origin: germline.
Comment: Variant summary: ALPK3 c.3832C>T (p.Arg1278Trp), also known as c.4438C>T (p.Arg1480Trp), results in a non-conservative amino acid change in the encoded protein sequence. Algorithms developed to predict the effect of missense changes on protein structure and function are either unavailable or do not agree on the potential impact of this missense change. The variant allele was found at a frequency of 0.00021 in 251392 control chromosomes. This frequency is not significantly higher than estimated for disease-causing variants in ALPK3, allowing no conclusion about variant significance. c.3832C>T has been observed in two individuals with arrhythmogenic cardiomyopathy and in an individual with hypertrophic cardiomyopathy, without strong evidence of causality (example: Herkert_2020). The variant was also reported in an individual with dilated cardiomypathy who also carried a pathogenic TTN variant (example: van Lint_Neth Heart J_2019). These reports do not provide unequivocal conclusions about association of the ALPK3 c.3832C>T variant with Cardiomyopathy. To our knowledge, no experimental evidence demonstrating an impact on protein function has been reported. The following publications have been ascertained in the context of this evaluation (PMID: 32480058, 30847666). ClinVar contains an entry for this variant (Variation ID: 426693). Based on the evidence outlined above, the variant was classified as uncertain significance.

Labcorp Genetics (formerly Invitae), Labcorp
Classification: Uncertain significance. Last evaluated: 2026-01-15. Review status: criteria provided, single submitter. Criteria: Invitae Variant Classification Sherloc (09022015). Collection method: clinical testing. Allele origin: germline.
Comment: This sequence change replaces arginine, which is basic and polar, with tryptophan, which is neutral and slightly polar, at codon 1480 of the ALPK3 protein (p.Arg1480Trp). This variant is present in population databases (rs201413329, gnomAD 0.04%). This missense change has been observed in individual(s) with cardiomyopathy (PMID: 32480058). ClinVar contains an entry for this variant (Variation ID: 426693). Invitae Evidence Modeling of protein sequence and biophysical properties (such as structural, functional, and spatial information, amino acid conservation, physicochemical variation, residue mobility, and thermodynamic stability) indicates that this missense variant is expected to disrupt ALPK3 protein function with a positive predictive value of 80%. In summary, the available evidence is currently insufficient to determine the role of this variant in disease. Therefore, it has been classified as a Variant of Uncertain Significance.

Mayo Clinic Laboratories, Mayo Clinic
Classification: Uncertain significance. Last evaluated: 2025-11-28. Review status: criteria provided, single submitter. Criteria: ACMG Guidelines, 2015. Collection method: clinical testing. Allele origin: germline. Observed: 1 variant allele.
Comment: BP4

Ambry Genetics
Classification: Uncertain significance for Cardiovascular phenotype. Last evaluated: 2025-11-26. Review status: criteria provided, single submitter. Criteria: Ambry Variant Classification Scheme 2023. Collection method: clinical testing. Allele origin: germline.
Comment: The p.R1480W variant (also known as c.4438C>T), located in coding exon 7 of the ALPK3 gene, results from a C to T substitution at nucleotide position 4438. The arginine at codon 1480 is replaced by tryptophan, an amino acid with dissimilar properties. This variant has been detected in the heterozygous state individuals with arrhythmogenic, hypertrophic, and dilated cardiomyopathy; however, details were limited and a frameshift variant in TTN was also detected in the dilated cardiomyopathy case (Herkert JC et al. Am Heart J. 2020 07;225:108-119; van Lint FHM et al. Neth Heart J. 2019 Jun;27(6):304-309). This amino acid position is well conserved in available vertebrate species. In addition, this alteration is predicted to be tolerated by in silico analysis. Based on the available evidence, the clinical significance of this variant remains unclear.

PreventionGenetics, part of Exact Sciences
Classification: Uncertain significance for ALPK3-related condition. Last evaluated: 2025-05-29. Review status: criteria provided, single submitter. Criteria: ACMG Guidelines, 2015. Collection method: clinical testing. Allele origin: germline.
Comment: The ALPK3 c.4438C>T variant is predicted to result in the amino acid substitution p.Arg1480Trp. This variant has been reported in the heterozygous state in three individuals with hypertrophic cardiomyopathy or arrhythmogenic cardiomyopathy (Table S4, Herkert et al. 2020. PubMed ID: 32480058). This variant has also been reported in an individual with dilated cardiomyopathy; however, this individual also carried a TTN truncating variant which could explain the clinical feature (case #1405 in online supplementary file 2, van Lint et al. 2019. PubMed ID: 30847666). This variant is reported in 0.039% of alleles in individuals of European (Non-Finnish) descent in gnomAD. At this time, the clinical significance of this variant is uncertain due to the absence of conclusive functional and genetic evidence.

ARUP Laboratories, Molecular Genetics and Genomics, ARUP Laboratories
Classification: Uncertain significance for Cardiomyopathy, familial hypertrophic 27. Last evaluated: 2024-12-09. Review status: criteria provided, single submitter. Criteria: ARUP Molecular Germline Variant Investigation Process 2024. Collection method: clinical testing. Allele origin: germline.
Comment: The ALPK3 c.3832C>T; p.Arg1278Trp variant (rs201413329, ClinVar Variation ID: 426693) is reported in the literature in individuals affected with arrhythmogenic and hypertrophic cardiomyopathy (Herkert 2020). This variant is also reported in an individual with dilated cardiomyopathy who carried a truncating TTN variant. This variant is found in the general population with an overall allele frequency of 0.02% (59/282,764 alleles) in the Genome Aggregation Database (v2.1.1). Computational analyses are uncertain whether this variant is neutral or deleterious (REVEL: 0.26). Due to limited information, the clinical significance of this variant is uncertain at this time. References: Herkert JC et al. Expanding the clinical and genetic spectrum of ALPK3 variants: Phenotypes identified in pediatric cardiomyopathy patients and adults with heterozygous variants. Am Heart J. 2020 Jul;225:108-119. PMID: 32480058. van Lint FHM et al. Large next-generation sequencing gene panels in genetic heart disease: yield of pathogenic variants and variants of unknown significance. Neth Heart J. 2019 Jun;27(6):304-309. PMID: 30847666.

Blueprint Genetics
Classification: Likely benign. Last evaluated: 2024-07-19. Review status: criteria provided, single submitter. Criteria: ACMG Guidelines, 2015. Collection method: clinical testing. Allele origin: germline.

GeneDx
Classification: Uncertain significance. Last evaluated: 2023-12-13. Review status: criteria provided, single submitter. Criteria: GeneDx Variant Classification Process June 2021. Collection method: clinical testing. Allele origin: germline. Affected: yes.
Comment: Identified as a heterozygous variant in individuals with adult-onset arrhythmogenic or hypertrophic cardiomyopathy (PMID: 32480058); Described as c.4438C>T p.(Arg1480Trp) in an individual with DCM who also harbors a frameshift variant in the TTN gene (PMID: 30847666); In silico analysis supports that this missense variant has a deleterious effect on protein structure/function; This variant is associated with the following publications: (PMID: 32480058, 30847666)

Revvity Omics, Revvity
Classification: Uncertain significance for Cardiomyopathy, familial hypertrophic 27. Last evaluated: 2019-02-13. Review status: criteria provided, single submitter. Criteria: ACMG Guidelines, 2015. Collection method: clinical testing. Allele origin: germline.

Literature cited by the submitters: PubMed 30847666 (cited by Women's Health and Genetics/Laboratory Corporation of America, LabCorp and Ambry Genetics); PubMed 32480058 (cited by 4 submitters).

NM_020778.5(ALPK3):c.3832C>T (p.Arg1278Trp)

Gene: ALPK3 (alpha kinase 3; plus strand). Cytogenetic location: 15q25.3.
Variant type: single nucleotide variant.
Coding change: c.3832C>T on transcript NM_020778.5 (MANE Select); coding-DNA position 3832, C replaced by T.
Protein change: p.Arg1278Trp; replaces arginine 1278 with tryptophan.
Molecular consequence: missense variant.
Genome position (GRCh38, 1-based): chr15:84,859,257, C>T. VCF-style: chr15-84859257-C-T. GRCh37 (hg19) VCF-style: chr15-85402488-C-T.
Other names: p.Arg1480Trp; short protein forms R1480W, R1278W.
Identifiers: ClinVar variation 426693 (VCV000426693.21), dbSNP rs201413329, ClinGen allele CA7709744.